The following is an entry in ClinVar:

ClinVar aggregate classification (germline): Uncertain significance (1 of 4 stars; one submission).

Conditions:
Inborn genetic diseases. Identifiers: MedGen C0950123, MeSH D030342.

Allele frequency attached by ClinVar (database versions not stated): TOPMed below 0.00001.

Submission:

Ambry Genetics
Classification: Uncertain significance for Inborn genetic diseases. Last evaluated: 2023-12-01. Review status: criteria provided, single submitter. Criteria: Ambry Variant Classification Scheme 2023. Collection method: clinical testing. Allele origin: germline.
Comment: The p.D1380G variant (also known as c.4139A>G), located in coding exon 22 of the ATR gene, results from an A to G substitution at nucleotide position 4139. The aspartic acid at codon 1380 is replaced by glycine, an amino acid with similar properties. This amino acid position is conserved. In addition, this alteration is predicted to be tolerated by in silico analysis. Since supporting evidence is limited at this time, the clinical significance of this alteration remains unclear.

NM_001184.4(ATR):c.4139A>G (p.Asp1380Gly)

Gene: ATR (ATR checkpoint kinase; minus strand). Cytogenetic location: 3q23.
Variant type: single nucleotide variant.
Coding change: c.4139A>G on transcript NM_001184.4 (MANE Select); coding-DNA position 4139, A replaced by G.
Protein change: p.Asp1380Gly; replaces aspartic acid 1380 with glycine.
Molecular consequence: missense variant.
Genome position (GRCh38, 1-based): chr3:142,524,006, T>C on the plus strand (A>G on the coding strand, the complement: ATR is on the minus strand). VCF-style: chr3-142524006-T-C. GRCh37 (hg19) VCF-style: chr3-142242848-T-C.
Other names: c.3947A>G, p.Asp1316Gly (NM_001354579.2); short protein forms D1316G, D1380G.
Identifiers: ClinVar variation 1738129 (VCV001738129.2), dbSNP rs1251431750, ClinGen allele CA354802009.